The following is an entry in ClinVar:

NM_001029860.4(FBXO43):c.192C>T (p.Phe64=)

Gene: FBXO43 (F-box protein 43; minus strand). Cytogenetic location: 8q22.2.
Variant type: single nucleotide variant.
Coding change: c.192C>T on transcript NM_001029860.4 (MANE Select); coding-DNA position 192, C replaced by T.
Protein change: p.Phe64=; no amino-acid change (phenylalanine 64 retained).
Molecular consequence: synonymous variant. On other transcripts: non-coding transcript variant (1).
Genome position (GRCh38, 1-based): chr8:100,142,062, G>A on the plus strand (C>T on the coding strand, the complement: FBXO43 is on the minus strand). VCF-style: chr8-100142062-G-A. GRCh37 (hg19) VCF-style: chr8-101154290-G-A.
Identifiers: ClinVar variation 2658712 (VCV002658712.24), dbSNP rs2489236977, ClinGen allele CA462343020.

ClinVar aggregate classification (germline): Likely benign (1 of 4 stars; one submission).

Submission:

CeGaT Center for Human Genetics Tuebingen
Classification: Likely benign. Last evaluated: 2023-07-01. Review status: criteria provided, single submitter. Criteria: CeGaT Center For Human Genetics Tuebingen Variant Classification Criteria Version 2. Collection method: clinical testing. Allele origin: germline. Affected: yes. Observed: 1 variant allele.
Comment: FBXO43: PM2:Supporting, BP4, BP7